The following is an entry in ClinVar:

NM_015259.6(ICOSLG):c.658G>A (p.Val220Met)

Gene: ICOSLG (inducible T cell costimulator ligand; minus strand). Cytogenetic location: 21q22.3.
Variant type: single nucleotide variant.
Coding change: c.658G>A on transcript NM_015259.6 (MANE Select); coding-DNA position 658, G replaced by A.
Protein change: p.Val220Met; replaces valine 220 with methionine.
Molecular consequence: missense variant.
Genome position (GRCh38, 1-based): chr21:44,235,311, C>T on the plus strand (G>A on the coding strand, the complement: ICOSLG is on the minus strand). VCF-style: chr21-44235311-C-T. GRCh37 (hg19) VCF-style: chr21-45655194-C-T.
Other names: c.658G>A, p.Val220Met (NM_001283050.2, NM_001395918.1); c.307G>A, p.Val103Met (NM_001283051.2); c.403G>A, p.Val135Met (NM_001283052.2); c.577G>A, p.Val193Met (NM_001365759.2); short protein forms V103M, V135M, V193M, V220M.
Identifiers: ClinVar variation 3629080 (VCV003629080.2).

ClinVar aggregate classification (germline): Uncertain significance (1 of 4 stars; one submission).

Submission:

Labcorp Genetics (formerly Invitae), Labcorp
Classification: Uncertain significance. Last evaluated: 2025-02-17. Review status: criteria provided, single submitter. Criteria: Invitae Variant Classification Sherloc (09022015). Collection method: clinical testing. Allele origin: germline.
Comment: This sequence change replaces valine, which is neutral and non-polar, with methionine, which is neutral and non-polar, at codon 220 of the ICOSLG protein (p.Val220Met). This variant is present in population databases (no rsID available, gnomAD 0.004%). This variant has not been reported in the literature in individuals affected with ICOSLG-related conditions. An algorithm developed to predict the effect of missense changes on protein structure and function (PolyPhen-2) suggests that this variant is likely to be disruptive. In summary, the available evidence is currently insufficient to determine the role of this variant in disease. Therefore, it has been classified as a Variant of Uncertain Significance.